The following is an entry in ClinVar:

NM_032578.4(MYPN):c.3746A>T (p.Lys1249Met)

Gene: MYPN (myopalladin; plus strand). Cytogenetic location: 10q21.3.
Variant type: single nucleotide variant.
Coding change: c.3746A>T on transcript NM_032578.4 (MANE Select); coding-DNA position 3746, A replaced by T.
Protein change: p.Lys1249Met; replaces lysine 1249 with methionine.
Molecular consequence: missense variant. On other transcripts: non-coding transcript variant (2).
Genome position (GRCh38, 1-based): chr10:68,206,856, A>T. VCF-style: chr10-68206856-A-T. GRCh37 (hg19) VCF-style: chr10-69966613-A-T.
Other names: c.3746A>T, p.Lys1249Met (NM_001256267.2); c.2864A>T, p.Lys955Met (NM_001256268.2); short protein forms K1249M, K955M.
Identifiers: ClinVar variation 3402041 (VCV003402041.1).

ClinVar aggregate classification (germline): Uncertain significance (1 of 4 stars; one submission).

Conditions:
Cardiovascular phenotype. Identifiers: MedGen CN230736.

gnomAD v4.1: 2 of 1,614,246 alleles (0.00012%); highest among the groups gnomAD compares: East Asian, 0.0045%; no homozygotes.

Submission:

Ambry Genetics
Classification: Uncertain significance for Cardiovascular phenotype. Last evaluated: 2024-10-04. Review status: criteria provided, single submitter. Criteria: Ambry Variant Classification Scheme 2023. Collection method: clinical testing. Allele origin: germline.
Comment: The p.K1249M variant (also known as c.3746A>T), located in coding exon 18 of the MYPN gene, results from an A to T substitution at nucleotide position 3746. The lysine at codon 1249 is replaced by methionine, an amino acid with similar properties. This amino acid position is conserved. In addition, this alteration is predicted to be deleterious by in silico analysis. Based on the available evidence, the clinical significance of this variant remains unclear.